The following is an entry in ClinVar:

NM_014159.7(SETD2):c.2731G>A (p.Val911Met)

Gene: SETD2 (SET domain containing 2, histone lysine methyltransferase; minus strand). Cytogenetic location: 3p21.31.
Variant type: single nucleotide variant.
Coding change: c.2731G>A on transcript NM_014159.7 (MANE Select); coding-DNA position 2731, G replaced by A.
Protein change: p.Val911Met; replaces valine 911 with methionine.
Molecular consequence: missense variant. On other transcripts: non-coding transcript variant (1).
Genome position (GRCh38, 1-based): chr3:47,121,905, C>T on the plus strand (G>A on the coding strand, the complement: SETD2 is on the minus strand). VCF-style: chr3-47121905-C-T. GRCh37 (hg19) VCF-style: chr3-47163395-C-T.
Other names: c.2599G>A, p.Val867Met (NM_001349370.3); short protein forms V911M, V867M.
Identifiers: ClinVar variation 845035 (VCV000845035.6), dbSNP rs1396372237, ClinGen allele CA352525454.

ClinVar aggregate classification (germline): Uncertain significance (1 of 4 stars; one submission).

Conditions:
Luscan-Lumish syndrome. Identifiers: Orphanet 597738, MedGen C4085873, MONDO:0014791, OMIM 616831.

Submission:

Labcorp Genetics (formerly Invitae), Labcorp
Classification: Uncertain significance for Luscan-Lumish syndrome. Last evaluated: 2019-01-25. Review status: criteria provided, single submitter. Criteria: Invitae Variant Classification Sherloc (09022015). Collection method: clinical testing. Allele origin: germline.
Comment: Algorithms developed to predict the effect of missense changes on protein structure and function output the following: SIFT: "Tolerated"; PolyPhen-2: "Benign"; Align-GVGD: "Class C0". The methionine amino acid residue is found in multiple mammalian species, suggesting that this missense change does not adversely affect protein function. These predictions have not been confirmed by published functional studies and their clinical significance is uncertain. In summary, the available evidence is currently insufficient to determine the role of this variant in disease. Therefore, it has been classified as a Variant of Uncertain Significance. This variant has not been reported in the literature in individuals with SETD2-related conditions. This variant is not present in population databases (ExAC no frequency). This sequence change replaces valine with methionine at codon 911 of the SETD2 protein (p.Val911Met). The valine residue is moderately conserved and there is a small physicochemical difference between valine and methionine.